The following is an entry in ClinVar:

ClinVar aggregate classification (germline): Uncertain significance (1 of 4 stars; one submission).

Allele frequency attached by ClinVar (database versions not stated): ExAC 0.00002; TOPMed 0.00004; gnomAD 0.00005; gnomAD exomes 0.00005; ESP Exome Variant Server 0.00008; 1000 Genomes Project 30x 0.00016; 1000 Genomes Project 0.00020.
gnomAD v4.1: 81 of 1,613,994 alleles (0.005%); highest among the groups gnomAD compares: Non-Finnish European, 0.0062%; no homozygotes.

Submission:

Labcorp Genetics (formerly Invitae), Labcorp
Classification: Uncertain significance. Last evaluated: 2022-08-13. Review status: criteria provided, single submitter. Criteria: Invitae Variant Classification Sherloc (09022015). Collection method: clinical testing. Allele origin: germline.
Comment: This sequence change replaces leucine, which is neutral and non-polar, with phenylalanine, which is neutral and non-polar, at codon 450 of the SLC46A1 protein (p.Leu450Phe). This variant is present in population databases (rs370669989, gnomAD 0.006%). This variant has not been reported in the literature in individuals affected with SLC46A1-related conditions. Experimental studies and prediction algorithms are not available or were not evaluated, and the functional significance of this variant is currently unknown. In summary, the available evidence is currently insufficient to determine the role of this variant in disease. Therefore, it has been classified as a Variant of Uncertain Significance.

NM_080669.6(SLC46A1):c.1348C>T (p.Leu450Phe)

Genes: SARM1 (sterile alpha and TIR motif containing 1; plus strand), SLC46A1 (solute carrier family 46 member 1; minus strand). Cytogenetic location: 17q11.2.
Variant type: single nucleotide variant.
Coding change: c.1348C>T on transcript NM_080669.6 (MANE Select); coding-DNA position 1348, C replaced by T.
Protein change: p.Leu450Phe; replaces leucine 450 with phenylalanine.
Molecular consequence: missense variant. On other transcripts: 3 prime UTR variant (1).
Genome position (GRCh38, 1-based): chr17:28,399,688, G>A on the plus strand (C>T on the coding strand, the complement: SLC46A1 is on the minus strand). VCF-style: chr17-28399688-G-A. GRCh37 (hg19) VCF-style: chr17-26726704-G-A.
Other names: c.1264C>T, p.Leu422Phe (NM_001242366.3); c.*3402G>A (NM_015077.4); short protein forms L422F, L450F.
Identifiers: ClinVar variation 2186153 (VCV002186153.1), dbSNP rs370669989, ClinGen allele CA8458140.
Genomic context (GRCh38, chr17:28,399,688, plus strand): 5'-TTGCCCTCTGTCTTCTGGTCCAGGCAGATCAGGGGCTCTGGGGAAACTGCTGGAACTCGA[G>A]GTGAGGATCAGCCTTTTCCAGCATCCTGTGAGAGACCAGAGAGAGAGTTTGGATTTCATG-3'
Protein context (NP_542400.2, residues 440-459): IGMLEKADPH[Leu450Phe]EFQQFPQSP